The following is an entry in ClinVar:

NM_198525.3(KIF7):c.3942G>C (p.Leu1314=)

Gene: KIF7 (kinesin family member 7; minus strand). Cytogenetic location: 15q26.1.
Variant type: single nucleotide variant.
Coding change: c.3942G>C on transcript NM_198525.3 (MANE Select); coding-DNA position 3942, G replaced by C.
Protein change: p.Leu1314=; no amino-acid change (leucine 1314 retained).
Molecular consequence: synonymous variant.
Genome position (GRCh38, 1-based): chr15:89,628,509, C>G on the plus strand (G>C on the coding strand, the complement: KIF7 is on the minus strand). VCF-style: chr15-89628509-C-G. GRCh37 (hg19) VCF-style: chr15-90171740-C-G.
Identifiers: ClinVar variation 1529274 (VCV001529274.32), dbSNP rs776674506, ClinGen allele CA7727474.
Genomic context (GRCh38, chr15:89,628,509, plus strand): 5'-CCCCGGGCTGGCTCGTCGCAGTTCCCGCCGGGGCTTGGACAAAGGCCCAAAGTTCCAGGG[C>G]AGGCCTGCCTCACCCACAGGAAGCACCCGCCCCACCAGGGGCTCAGCCGCCTCCCGCTGC-3'
Protein context (NP_940927.2, residues 1304-1324): GRVLPVGEAG[Leu1314=]PWNFGPLSKP

ClinVar aggregate classification (germline): Likely benign. Review status: criteria provided, multiple submitters, no conflicts (2 of 4 stars). 4 submissions from 4 submitters: Likely benign (4). Last evaluated 2025-12-22.

Conditions:
Acrocallosal syndrome (ACLS). Also called: HALLUX DUPLICATION, POSTAXIAL POLYDACTYLY, AND ABSENCE OF CORPUS CALLOSUM; Schinzel syndrome 1; Absence of corpus callosum with unusual facial appearance, mental deficiency, duplication of the halluces and polydactyly. Identifiers: Orphanet 36, MedGen C0796147, MONDO:0008708, OMIM 200990.

Allele frequency attached by ClinVar (database versions not stated): gnomAD exomes 0.00002 and 0.00004; ExAC 0.00003; gnomAD 0.00003; TOPMed 0.00003.
gnomAD v4.1: 38 of 1,613,050 alleles (0.0024%); highest among the groups gnomAD compares: Middle Eastern, 0.049%; no homozygotes.

Submissions (4):

Labcorp Genetics (formerly Invitae), Labcorp
Classification: Likely benign for Acrocallosal syndrome. Last evaluated: 2025-12-22. Review status: criteria provided, single submitter. Criteria: Invitae Variant Classification Sherloc (09022015). Collection method: clinical testing. Allele origin: germline.

CeGaT Center for Human Genetics Tuebingen
Classification: Likely benign. Last evaluated: 2024-02-01. Review status: criteria provided, single submitter. Criteria: CeGaT Center For Human Genetics Tuebingen Variant Classification Criteria Version 2. Collection method: clinical testing. Allele origin: germline. Affected: yes. Observed: 1 variant allele.
Comment: KIF7: BP4, BP7

Blueprint Genetics
Classification: Likely benign. Last evaluated: 2023-01-31. Review status: criteria provided, single submitter. Criteria: ACMG Guidelines, 2015. Collection method: clinical testing. Allele origin: germline.

Breakthrough Genomics
Classification: Likely benign. Review status: criteria provided, single submitter. Criteria: ACMG Guidelines, 2015. Collection method: not provided. Allele origin: germline. Inheritance: Autosomal recessive inheritance. Affected: yes.